The following is an entry in ClinVar:

NM_001374736.1(DST):c.11813A>G (p.Glu3938Gly)

Gene: DST (dystonin; minus strand). Cytogenetic location: 6p12.1.
Variant type: single nucleotide variant.
Coding change: c.11813A>G on transcript NM_001374736.1 (MANE Select); coding-DNA position 11813, A replaced by G.
Protein change: p.Glu3938Gly; replaces glutamic acid 3938 with glycine.
Molecular consequence: missense variant.
Genome position (GRCh38, 1-based): chr6:56,598,591, T>C on the plus strand (A>G on the coding strand, the complement: DST is on the minus strand). VCF-style: chr6-56598591-T-C. GRCh37 (hg19) VCF-style: chr6-56463389-T-C.
Other names: c.5456A>G, p.Glu1819Gly (NM_001144769.5); c.5042A>G, p.Glu1681Gly (NM_001144770.2); c.11813A>G, p.Glu3938Gly (NM_001374722.1); c.11180A>G, p.Glu3727Gly (NM_001374729.1); c.4922A>G, p.Glu1641Gly (NM_001374730.1, NM_001386100.1, NM_183380.4); c.11840A>G, p.Glu3947Gly (NM_001374734.1); c.3944A>G, p.Glu1315Gly (NM_015548.5); short protein forms E1315G, E3947G, E3938G, E1641G, E1681G, E3727G, E1819G.
Identifiers: ClinVar variation 2067671 (VCV002067671.4), dbSNP rs946692671, ClinGen allele CA139192336.

ClinVar aggregate classification (germline): Uncertain significance (1 of 4 stars; one submission).

Conditions:
Hereditary sensory and autonomic neuropathy type 6. Also called: HSAN VI; Neuropathy, hereditary sensory and autonomic, type VI. Identifiers: Orphanet 314381, MedGen C3539003, MONDO:0013839, OMIM 614653.
Epidermolysis bullosa simplex 3, localized or generalized intermediate, with BP230 deficiency (EBS3). Also called: Epidermolysis bullosa simplex, autosomal recessive 2; Epidermolysis bullosa simplex due to BP230 deficiency. Identifiers: Orphanet 412181, MedGen C3809470, MONDO:0014180, OMIM 615425.

Allele frequency attached by ClinVar (database versions not stated): gnomAD exomes below 0.00001; TOPMed below 0.00001; gnomAD 0.00001.
gnomAD v4.1: 3 of 1,612,476 alleles (0.00019%); highest among the groups gnomAD compares: African/African-American, 0.004%; no homozygotes.

Submission:

Labcorp Genetics (formerly Invitae), Labcorp
Classification: Uncertain significance for Epidermolysis bullosa simplex 3, localized or generalized intermediate, with BP230 deficiency; Hereditary sensory and autonomic neuropathy type 6. Last evaluated: 2022-06-22. Review status: criteria provided, single submitter. Criteria: Invitae Variant Classification Sherloc (09022015). Collection method: clinical testing. Allele origin: germline.
Comment: The DST gene has multiple clinically relevant transcripts. This variant occurs in alternate transcript NM_015548.4, and corresponds to NM_001723.5:c.*16926A>G in the primary transcript. In summary, the available evidence is currently insufficient to determine the role of this variant in disease. Therefore, it has been classified as a Variant of Uncertain Significance. Experimental studies and prediction algorithms are not available or were not evaluated, and the functional significance of this variant is currently unknown. This variant has not been reported in the literature in individuals affected with DST-related conditions. This variant is not present in population databases (gnomAD no frequency). This sequence change replaces glutamic acid, which is acidic and polar, with glycine, which is neutral and non-polar, at codon 1315 of the DST protein (p.Glu1315Gly).